The following is an entry in ClinVar:

ClinVar aggregate classification (germline): Uncertain significance (1 of 4 stars; one submission).

Submission:

GeneDx
Classification: Uncertain significance. Last evaluated: 2022-07-26. Review status: criteria provided, single submitter. Criteria: GeneDx Variant Classification Process June 2021. Collection method: clinical testing. Allele origin: germline. Affected: yes.
Comment: Not observed at significant frequency in large population cohorts (gnomAD); In silico analysis supports that this missense variant has a deleterious effect on protein structure/function; Has not been previously published as pathogenic or benign to our knowledge

NM_024496.4(IRF2BPL):c.1523C>T (p.Pro508Leu)

Gene: IRF2BPL (interferon regulatory factor 2 binding protein like; minus strand). Cytogenetic location: 14q24.3.
Variant type: single nucleotide variant.
Coding change: c.1523C>T on transcript NM_024496.4 (MANE Select); coding-DNA position 1523, C replaced by T.
Protein change: p.Pro508Leu; replaces proline 508 with leucine.
Molecular consequence: missense variant.
Genome position (GRCh38, 1-based): chr14:77,026,270, G>A on the plus strand (C>T on the coding strand, the complement: IRF2BPL is on the minus strand). VCF-style: chr14-77026270-G-A. GRCh37 (hg19) VCF-style: chr14-77492613-G-A.
Other names: short protein forms P508L.
Identifiers: ClinVar variation 2412980 (VCV002412980.3), dbSNP rs1365763431, ClinGen allele CA390493672.
Genomic context (GRCh38, chr14:77,026,270, plus strand): 5'-GGCAAGGCCCCGGTCCCCGGGGGTGCGCTGGGGGCGCGGCTCAGACTCACCAGAGCAGTG[G>A]GCAGCATGGGACAGCTGGCGTCCAGGTAGGGCTGGGGCAGCATGTCGGCGCCGGGCACGC-3'
Protein context (NP_078772.1, residues 498-518): PYLDASCPML[Pro508Leu]TALVSLSRAP